The following is an entry in ClinVar:

NM_001972.4(ELANE):c.583G>A (p.Ala195Thr)

Gene: ELANE (elastase, neutrophil expressed; plus strand). Cytogenetic location: 19p13.3.
Variant type: single nucleotide variant.
Coding change: c.583G>A on transcript NM_001972.4 (MANE Select); coding-DNA position 583, G replaced by A.
Protein change: p.Ala195Thr; replaces alanine 195 with threonine.
Molecular consequence: missense variant.
Genome position (GRCh38, 1-based): chr19:855,780, G>A. VCF-style: chr19-855780-G-A. GRCh37 (hg19) VCF-style: chr19-855780-G-A.
Other names: short protein forms A195T.
Identifiers: ClinVar variation 2929036 (VCV002929036.3), dbSNP rs758686182, ClinGen allele CA402918756.

ClinVar aggregate classification (germline): Uncertain significance (1 of 4 stars; one submission).

Conditions:
Neutropenia, severe congenital, 1, autosomal dominant. Identifiers: MedGen C1859966, MONDO:0042490, OMIM 202700.
Cyclical neutropenia. Also called: Cyclic Neutropenia; Cyclic hematopoiesis. Identifiers: Orphanet 2686, MedGen C0221023, MONDO:0008090, OMIM 162800, HP:0040289. Disease mechanism: loss of function.

gnomAD v4.1: 1 of 1,608,710 alleles (0.000062%); no homozygotes.

Submission:

Labcorp Genetics (formerly Invitae), Labcorp
Classification: Uncertain significance for Neutropenia, severe congenital, 1, autosomal dominant; Cyclical neutropenia. Last evaluated: 2022-12-30. Review status: criteria provided, single submitter. Criteria: Invitae Variant Classification Sherloc (09022015). Collection method: clinical testing. Allele origin: germline.
Comment: This sequence change replaces alanine, which is neutral and non-polar, with threonine, which is neutral and polar, at codon 195 of the ELANE protein (p.Ala195Thr). This variant is not present in population databases (gnomAD no frequency). In summary, the available evidence is currently insufficient to determine the role of this variant in disease. Therefore, it has been classified as a Variant of Uncertain Significance. Advanced modeling of protein sequence and biophysical properties (such as structural, functional, and spatial information, amino acid conservation, physicochemical variation, residue mobility, and thermodynamic stability) performed at Invitae indicates that this missense variant is expected to disrupt ELANE protein function. This variant has not been reported in the literature in individuals affected with ELANE-related conditions.